The following is an entry in ClinVar:

NM_000444.6(PHEX):c.1766dup (p.Asn589fs)

Genes: PHEX (phosphate regulating endopeptidase X-linked; plus strand), PTCHD1-AS (PTCHD1 and PHEX antisense RNA; minus strand). Cytogenetic location: Xp22.11.
Variant type: Duplication.
Coding change: c.1766dup on transcript NM_000444.6 (MANE Select); coding-DNA position 1766, one base duplicated (A; older notation c.1766dupA).
Protein change: p.Asn589fs; shifts the reading frame from asparagine 589.
Molecular consequence: frameshift variant.
Genome position (GRCh38, 1-based): chrX:22,219,101, A duplicated; the last of 2 consecutive A bases (chrX:22,219,100-22,219,101); duplicating either gives the same sequence. VCF-style (leftmost placement, unchanged base first): chrX-22219099-T-TA. GRCh37 (hg19) VCF-style: chrX-22237216-T-TA.
Other names: c.1766dup, p.Asn589fs (NM_001282754.2); short protein forms N589fs.
Identifiers: ClinVar variation 1996939 (VCV001996939.4), dbSNP rs2518660307, ClinGen allele CA2580100489.

ClinVar aggregate classification (germline): Pathogenic (1 of 4 stars; one submission).

Submission:

Labcorp Genetics (formerly Invitae), Labcorp
Classification: Pathogenic. Last evaluated: 2022-05-20. Review status: criteria provided, single submitter. Criteria: Invitae Variant Classification Sherloc (09022015). Collection method: clinical testing. Allele origin: germline.
Comment: This variant is not present in population databases (gnomAD no frequency). This sequence change creates a premature translational stop signal (p.Asn589Lysfs*3) in the PHEX gene. It is expected to result in an absent or disrupted protein product. Loss-of-function variants in PHEX are known to be pathogenic (PMID: 9097956, 9106524, 19219621). This variant has not been reported in the literature in individuals affected with PHEX-related conditions. For these reasons, this variant has been classified as Pathogenic.

Literature cited by the submitters: PubMed 9097956; PubMed 9106524; PubMed 19219621.